The following is an entry in ClinVar:

ClinVar aggregate classification (germline): Likely benign (1 of 4 stars; one submission).

gnomAD v4.1: 177 of 1,614,048 alleles (0.011%); highest among the groups gnomAD compares: Non-Finnish European, 0.013%; no homozygotes.

Submission:

CeGaT Center for Human Genetics Tuebingen
Classification: Likely benign. Last evaluated: 2026-06-01. Review status: criteria provided, single submitter. Criteria: CeGaT Center For Human Genetics Tuebingen Variant Classification Criteria Version 2. Collection method: clinical testing. Allele origin: germline. Affected: yes. Observed: 1 variant allele.
Comment: LRP1: BP4, BP7

NM_002332.3(LRP1):c.7758C>T (p.Asn2586=)

Gene: LRP1 (LDL receptor related protein 1; plus strand). Cytogenetic location: 12q13.3.
Variant type: single nucleotide variant.
Coding change: c.7758C>T on transcript NM_002332.3 (MANE Select); coding-DNA position 7758, C replaced by T.
Protein change: p.Asn2586=; no amino-acid change (asparagine 2586 retained).
Molecular consequence: synonymous variant.
Genome position (GRCh38, 1-based): chr12:57,193,639, C>T. VCF-style: chr12-57193639-C-T. GRCh37 (hg19) VCF-style: chr12-57587422-C-T.
Identifiers: ClinVar variation 4872681 (VCV004872681.2).